The following is an entry in ClinVar:

ClinVar aggregate classification (germline): Pathogenic (1 of 4 stars; one submission).

Conditions:
Congenital microcephaly - severe encephalopathy - progressive cerebral atrophy syndrome. Also called: ASNS DEFICIENCY; Asparagine synthetase deficiency. Identifiers: Orphanet 391376, MedGen C3809971, MONDO:0014258, OMIM 615574.

Submission:

Myriad Genetics, Inc.
Classification: Pathogenic for Congenital microcephaly - severe encephalopathy - progressive cerebral atrophy syndrome. Last evaluated: 2024-02-10. Review status: criteria provided, single submitter. Criteria: Myriad Autosomal Dominant, Autosomal Recessive and X-Linked Classification Criteria (2023). Collection method: clinical testing. Allele origin: unknown.
Comment: NM_001673.4(ASNS):c.1113_1122del10(Q372Yfs*20) is expected to be pathogenic in the context of asparagine synthetase deficiency. This variant is predicted to lead to an abnormal or absent protein product due to the creation of a premature termination codon in ASNS, a gene where loss-of-function variants are known to be pathogenic. Please note: this variant was assessed in the context of healthy population screening.

NM_001673.5(ASNS):c.1113_1122del (p.Gln372fs)

Genes: ASNS (asparagine synthetase (glutamine-hydrolyzing); minus strand), CZ1P-ASNS (CZ1P-ASNS readthrough; minus strand). Cytogenetic location: 7q21.3.
Variant type: Deletion.
Coding change: c.1113_1122del on transcript NM_001673.5 (MANE Select); coding-DNA positions 1113 to 1122, 10 bases deleted (GCAGGGTTAC; older notation c.1113_1122delGCAGGGTTAC).
Protein change: p.Gln372fs; shifts the reading frame from glutamine 372.
Molecular consequence: frameshift variant. On other transcripts: non-coding transcript variant (1).
Genome position (GRCh38, 1-based): chr7:97,855,368-97,855,377, GTAACCCTGC deleted on the plus strand (GCAGGGTTAC on the coding strand, the reverse complement: ASNS is on the minus strand); deleting any 10 consecutive bases within chr7:97,855,368-97,855,381 gives the same sequence; the c. name uses the placement nearest the transcript's 3' end. VCF-style (leftmost placement, unchanged base first): chr7-97855367-TGTAACCCTGC-T. GRCh37 (hg19) VCF-style: chr7-97484679-TGTAACCCTGC-T.
Other names: c.1050_1059del, p.Gln351fs (NM_001178075.2); c.864_873del, p.Gln289fs (NM_001178076.2, NM_001178077.1); c.1113_1122del, p.Gln372fs (NM_001352496.2, NM_133436.3, NM_183356.4); short protein forms Q289fs, Q351fs, Q372fs.
Identifiers: ClinVar variation 5012729 (VCV005012729.1).